The following is an entry in ClinVar:

ClinVar aggregate classification (germline): Uncertain significance (1 of 4 stars; one submission).

gnomAD v4.1: 1 of 1,613,770 alleles (0.000062%); highest among the groups gnomAD compares: Non-Finnish European, 0.000085%; no homozygotes.

Submission:

Labcorp Genetics (formerly Invitae), Labcorp
Classification: Uncertain significance. Last evaluated: 2024-06-25. Review status: criteria provided, single submitter. Criteria: Invitae Variant Classification Sherloc (09022015). Collection method: clinical testing. Allele origin: germline.
Comment: This sequence change replaces glutamic acid, which is acidic and polar, with glycine, which is neutral and non-polar, at codon 359 of the GRM6 protein (p.Glu359Gly). This variant is not present in population databases (gnomAD no frequency). This variant has not been reported in the literature in individuals affected with GRM6-related conditions. Advanced modeling of protein sequence and biophysical properties (such as structural, functional, and spatial information, amino acid conservation, physicochemical variation, residue mobility, and thermodynamic stability) has been performed at Invitae for this missense variant, however the output from this modeling did not meet the statistical confidence thresholds required to predict the impact of this variant on GRM6 protein function. In summary, the available evidence is currently insufficient to determine the role of this variant in disease. Therefore, it has been classified as a Variant of Uncertain Significance.

NM_000843.4(GRM6):c.1076A>G (p.Glu359Gly)

Genes: GRM6 (glutamate metabotropic receptor 6; minus strand), ZNF454 (zinc finger protein 454; plus strand). Cytogenetic location: 5q35.3.
Variant type: single nucleotide variant.
Coding change: c.1076A>G on transcript NM_000843.4 (MANE Select); coding-DNA position 1076, A replaced by G.
Protein change: p.Glu359Gly; replaces glutamic acid 359 with glycine.
Molecular consequence: missense variant.
Genome position (GRCh38, 1-based): chr5:178,989,342, T>C on the plus strand (A>G on the coding strand, the complement: GRM6 is on the minus strand). VCF-style: chr5-178989342-T-C. GRCh37 (hg19) VCF-style: chr5-178416343-T-C.
Other names: short protein forms E359G.
Identifiers: ClinVar variation 3605243 (VCV003605243.2).
Genomic context (GRCh38, chr5:178,989,342, plus strand): 5'-GAATCGTCTGACTGGGTACCTGAGCTGGTCAGTTTGCAGTTAAAATTCTCTTCCCAGAAC[T>C]CGGCGAACCAGATGTTCCTGCGGTTGTTCTCCAGGGATCGAGTCATGAAGTACTGGTCAA-3'
Protein context (NP_000834.2, residues 349-369): ENNRRNIWFA[Glu359Gly]FWEENFNCKL